The following is an entry in ClinVar:

ClinVar aggregate classification (germline): Uncertain significance (1 of 4 stars; one submission).

Conditions:
Capillary malformation-arteriovenous malformation syndrome. Also called: Capillary malformation-arteriovenous malformation. Identifiers: Orphanet 137667, MedGen C1842180, MONDO:0012016.

Submission:

Labcorp Genetics (formerly Invitae), Labcorp
Classification: Uncertain significance for Capillary malformation-arteriovenous malformation syndrome. Last evaluated: 2024-07-29. Review status: criteria provided, single submitter. Criteria: Invitae Variant Classification Sherloc (09022015). Collection method: clinical testing. Allele origin: germline.
Comment: This sequence change replaces glycine, which is neutral and non-polar, with serine, which is neutral and polar, at codon 12 of the RASA1 protein (p.Gly12Ser). This variant is not present in population databases (gnomAD no frequency). This variant has not been reported in the literature in individuals affected with RASA1-related conditions. ClinVar contains an entry for this variant (Variation ID: 1035725). An algorithm developed to predict the effect of missense changes on protein structure and function (PolyPhen-2) suggests that this variant is likely to be disruptive. In summary, the available evidence is currently insufficient to determine the role of this variant in disease. Therefore, it has been classified as a Variant of Uncertain Significance.

NM_002890.3(RASA1):c.34G>A (p.Gly12Ser)

Gene: RASA1 (RAS p21 protein activator 1; plus strand). Cytogenetic location: 5q14.3.
Variant type: single nucleotide variant.
Coding change: c.34G>A on transcript NM_002890.3 (MANE Select); coding-DNA position 34, G replaced by A.
Protein change: p.Gly12Ser; replaces glycine 12 with serine.
Molecular consequence: missense variant.
Genome position (GRCh38, 1-based): chr5:87,268,485, G>A. VCF-style: chr5-87268485-G-A. GRCh37 (hg19) VCF-style: chr5-86564302-G-A.
Other names: short protein forms G12S.
Identifiers: ClinVar variation 1035725 (VCV001035725.9), dbSNP rs1753664187, ClinGen allele CA360416651.